The following is an entry in ClinVar:

NM_033641.4(COL4A6):c.4881dup (p.Arg1628fs)

Gene: COL4A6 (collagen type IV alpha 6 chain; minus strand). Cytogenetic location: Xq22.3.
Variant type: Duplication.
Coding change: c.4881dup on transcript NM_033641.4 (MANE Select); coding-DNA position 4881, one base duplicated (T; older notation c.4881dupT).
Protein change: p.Arg1628fs; shifts the reading frame from arginine 1628.
Molecular consequence: frameshift variant.
Genome position (GRCh38, 1-based): chrX:108,157,192, A duplicated on the plus strand (T on the coding strand, the reverse complement: COL4A6 is on the minus strand); the first of 3 consecutive A bases (chrX:108,157,192-108,157,194); duplicating any one gives the same sequence. VCF-style (leftmost placement, unchanged base first): chrX-108157191-G-GA. GRCh37 (hg19) VCF-style: chrX-107400421-G-GA.
Other names: c.4932dup, p.Arg1645fs (NM_001287758.2); c.4809dup, p.Arg1604fs (NM_001287759.2); c.4710dup, p.Arg1571fs (NM_001287760.2); c.4884dup, p.Arg1629fs (NM_001847.4); short protein forms R1628fs, R1604fs, R1571fs, R1629fs, R1645fs.
Identifiers: ClinVar variation 2796383 (VCV002796383.3), dbSNP rs1010718048, ClinGen allele CA334033948.
Genomic context (GRCh38, chrX:108,157,191, plus strand): 5'-TGTTTGCAAAGTAGTGGCAGGTGCCTCGGGCACCACTGCATTCGATGAAAGGAGTGGCCC[G>GA]AAAGTCCTCTAGGCAGGAGCCAGGTGAGACCAGGGACTGGCCTCCACCCTCGGCACCAGC-3'

ClinVar aggregate classification (germline): Uncertain significance (1 of 4 stars; one submission).

Submission:

Labcorp Genetics (formerly Invitae), Labcorp
Classification: Uncertain significance. Last evaluated: 2024-11-11. Review status: criteria provided, single submitter. Criteria: Invitae Variant Classification Sherloc (09022015). Collection method: clinical testing. Allele origin: germline.
Comment: This sequence change creates a premature translational stop signal (p.Arg1629Serfs*42) in the COL4A6 gene. While this is not anticipated to result in nonsense mediated decay, it is expected to disrupt the last 63 amino acid(s) of the COL4A6 protein. This variant is not present in population databases (gnomAD no frequency). This variant has not been reported in the literature in individuals affected with COL4A6-related conditions. ClinVar contains an entry for this variant (Variation ID: 2796383). Experimental studies and prediction algorithms are not available or were not evaluated, and the functional significance of this variant is currently unknown. In summary, the available evidence is currently insufficient to determine the role of this variant in disease. Therefore, it has been classified as a Variant of Uncertain Significance.